The following is an entry in ClinVar:

NM_002618.4(PEX13):c.1030G>A (p.Glu344Lys)

Gene: PEX13 (peroxisomal biogenesis factor 13; plus strand). Cytogenetic location: 2p15.
Variant type: single nucleotide variant.
Coding change: c.1030G>A on transcript NM_002618.4 (MANE Select); coding-DNA position 1030, G replaced by A.
Protein change: p.Glu344Lys; replaces glutamic acid 344 with lysine.
Molecular consequence: missense variant.
Genome position (GRCh38, 1-based): chr2:61,048,588, G>A. VCF-style: chr2-61048588-G-A. GRCh37 (hg19) VCF-style: chr2-61275723-G-A.
Other names: c.1030G>A (NM_002618.3); short protein forms E344K.
Identifiers: ClinVar variation 1442815 (VCV001442815.5), dbSNP rs550755703, ClinGen allele CA48355958.
Genomic context (GRCh38, chr2:61,048,588, plus strand): 5'-GGACTTATACCTGCGAATTATGTCAAAATTCTTGGCAAAAGAAAAGGTAGGAAAACGGTG[G>A]AATCAAGTAAAGTTTCCAAGCAGCAACAATCTTTTACCAACCCAACACTAACTAAAGGAG-3'
Protein context (NP_002609.1, residues 334-354): LGKRKGRKTV[Glu344Lys]SSKVSKQQQS

ClinVar aggregate classification (germline): Uncertain significance. Review status: criteria provided, multiple submitters, no conflicts (2 of 4 stars). 2 submissions from 2 submitters: Uncertain significance (2). Last evaluated 2023-08-30.

Conditions:
Peroxisome biogenesis disorder 11A (Zellweger). Also called: Peroxisome biogenesis disorder 11A. Identifiers: Orphanet 912, MedGen C3554000, MONDO:0013949, OMIM 614883.
Inborn genetic diseases. Identifiers: MedGen C0950123, MeSH D030342.

Allele frequency attached by ClinVar (database versions not stated): gnomAD exomes below 0.00001; gnomAD 0.00003; TOPMed 0.00003.

Submissions (2):

Labcorp Genetics (formerly Invitae), Labcorp
Classification: Uncertain significance for Peroxisome biogenesis disorder 11A (Zellweger). Last evaluated: 2023-08-30. Review status: criteria provided, single submitter. Criteria: Invitae Variant Classification Sherloc (09022015). Collection method: clinical testing. Allele origin: germline.
Comment: In summary, the available evidence is currently insufficient to determine the role of this variant in disease. Therefore, it has been classified as a Variant of Uncertain Significance. Advanced modeling of protein sequence and biophysical properties (such as structural, functional, and spatial information, amino acid conservation, physicochemical variation, residue mobility, and thermodynamic stability) performed at Invitae indicates that this missense variant is not expected to disrupt PEX13 protein function. ClinVar contains an entry for this variant (Variation ID: 1442815). This variant has not been reported in the literature in individuals affected with PEX13-related conditions. This variant is present in population databases (rs550755703, gnomAD 0.003%). This sequence change replaces glutamic acid, which is acidic and polar, with lysine, which is basic and polar, at codon 344 of the PEX13 protein (p.Glu344Lys).

Ambry Genetics
Classification: Uncertain significance for Inborn genetic diseases. Last evaluated: 2021-08-10. Review status: criteria provided, single submitter. Criteria: Ambry Variant Classification Scheme 2023. Collection method: clinical testing. Allele origin: germline.